The following is an entry in ClinVar:

ClinVar aggregate classification (germline): Likely benign. Review status: criteria provided, multiple submitters, no conflicts (2 of 4 stars). 2 submissions from 2 submitters: Likely benign (2). Last evaluated 2025-09-12.

Allele frequency attached by ClinVar (database versions not stated): gnomAD exomes below 0.00001; ExAC 0.00001; gnomAD 0.00001; TOPMed 0.00002.
gnomAD v4.1: 61 of 1,614,062 alleles (0.0038%); highest among the groups gnomAD compares: Middle Eastern, 0.016%; no homozygotes.

Submissions (2):

Labcorp Genetics (formerly Invitae), Labcorp
Classification: Likely benign. Last evaluated: 2025-09-12. Review status: criteria provided, single submitter. Criteria: Invitae Variant Classification Sherloc (09022015). Collection method: clinical testing. Allele origin: germline.

GeneDx
Classification: Likely benign. Last evaluated: 2016-11-14. Review status: criteria provided, single submitter. Criteria: GeneDx Variant Classification (06012015). Collection method: clinical testing. Allele origin: germline. Affected: yes.
Comment: This variant is considered likely benign or benign based on one or more of the following criteria: it is a conservative change, it occurs at a poorly conserved position in the protein, it is predicted to be benign by multiple in silico algorithms, and/or has population frequency not consistent with disease.

NM_005138.3(SCO2):c.714G>A (p.Thr238=)

Genes: SCO2 (synthesis of cytochrome C oxidase 2; minus strand), NCAPH2 (non-SMC condensin II complex subunit H2; plus strand). Cytogenetic location: 22q13.33.
Variant type: single nucleotide variant.
Coding change: c.714G>A on transcript NM_005138.3 (MANE Select); coding-DNA position 714, G replaced by A.
Protein change: p.Thr238=; no amino-acid change (threonine 238 retained).
Molecular consequence: synonymous variant. On other transcripts: 3 prime UTR variant (2).
Genome position (GRCh38, 1-based): chr22:50,523,698, C>T on the plus strand (G>A on the coding strand, the complement: SCO2 is on the minus strand). VCF-style: chr22-50523698-C-T. GRCh37 (hg19) VCF-style: chr22-50962127-C-T.
Other names: c.*323C>T (NM_001185011.2, NM_152299.4); c.714G>A, p.Thr238= (NM_001169109.2, NM_001169110.1, NM_001169111.2).
Identifiers: ClinVar variation 390092 (VCV000390092.5), dbSNP rs754644513, ClinGen allele CA10321137.
Genomic context (GRCh38, chr22:50,523,698, plus strand): 5'-CATGTGCCGCCGCACACTGTCTGAGATCTGCTCAGCCGATCTGCTCCGGCCGTAGTAATC[C>T]GTGAAGAGGCCGTCAGGGTTGAGCAGGTAGATGGCAATGGAGTGGTCCACGATGTAGTCC-3'
Protein context (NP_005129.2, residues 228-248): IYLLNPDGLF[Thr238=]DYYGRSRSAE